The following is an entry in ClinVar:

NM_020461.4(TUBGCP6):c.1491+1G>A

Gene: TUBGCP6 (tubulin gamma complex component 6; minus strand). Cytogenetic location: 22q13.33.
Variant type: single nucleotide variant.
Coding change: c.1491+1G>A on transcript NM_020461.4 (MANE Select); the canonical splice donor site of the intron after coding-DNA position 1491, G replaced by A.
Molecular consequence: splice donor variant.
Genome position (GRCh38, 1-based): chr22:50,226,998, C>T on the plus strand (G>A on the coding strand, the complement: TUBGCP6 is on the minus strand). VCF-style: chr22-50226998-C-T. GRCh37 (hg19) VCF-style: chr22-50665427-C-T.
Identifiers: ClinVar variation 1488465 (VCV001488465.6), dbSNP rs752877550, ClinGen allele CA10308661.

ClinVar aggregate classification (germline): Likely pathogenic (1 of 4 stars; one submission).

Allele frequency attached by ClinVar (database versions not stated): TOPMed below 0.00001; gnomAD 0.00001; gnomAD exomes 0.00001 and 0.00002; ExAC 0.00002.
gnomAD v4.1: 31 of 1,611,364 alleles (0.0019%); highest among the groups gnomAD compares: South Asian, 0.0055%; no homozygotes.

Submission:

Labcorp Genetics (formerly Invitae), Labcorp
Classification: Likely pathogenic. Last evaluated: 2022-07-06. Review status: criteria provided, single submitter. Criteria: Invitae Variant Classification Sherloc (09022015). Collection method: clinical testing. Allele origin: germline.
Comment: In summary, the currently available evidence indicates that the variant is pathogenic, but additional data are needed to prove that conclusively. Therefore, this variant has been classified as Likely Pathogenic. Algorithms developed to predict the effect of sequence changes on RNA splicing suggest that this variant may disrupt the consensus splice site. ClinVar contains an entry for this variant (Variation ID: 1488465). This variant has not been reported in the literature in individuals affected with TUBGCP6-related conditions. This variant is present in population databases (rs752877550, gnomAD 0.007%). This sequence change affects a donor splice site in intron 6 of the TUBGCP6 gene. It is expected to disrupt RNA splicing. Variants that disrupt the donor or acceptor splice site typically lead to a loss of protein function (PMID: 16199547), and loss-of-function variants in TUBGCP6 are known to be pathogenic (PMID: 25344692).

Literature cited by the submitters: PubMed 16199547; PubMed 25344692.